The following is an entry in ClinVar:

NM_000478.6(ALPL):c.431G>A (p.Gly144Glu)

Gene: ALPL (alkaline phosphatase, biomineralization associated; plus strand). Cytogenetic location: 1p36.12.
Variant type: single nucleotide variant.
Coding change: c.431G>A on transcript NM_000478.6 (MANE Select); coding-DNA position 431, G replaced by A.
Protein change: p.Gly144Glu; replaces glycine 144 with glutamic acid.
Molecular consequence: missense variant.
Genome position (GRCh38, 1-based): chr1:21,563,243, G>A. VCF-style: chr1-21563243-G-A. GRCh37 (hg19) VCF-style: chr1-21889736-G-A.
Other names: c.266G>A, p.Gly89Glu (NM_001127501.4); c.200G>A, p.Gly67Glu (NM_001177520.3); c.431G>A, p.Gly144Glu (NM_001369803.2, NM_001369804.2, NM_001369805.2); short protein forms G144E, G67E, G89E.
Identifiers: ClinVar variation 850181 (VCV000850181.13), dbSNP rs1291792579, ClinGen allele CA338877318.

ClinVar aggregate classification (germline): Conflicting classifications of pathogenicity. Review status: criteria provided, conflicting classifications (1 of 4 stars). 4 submissions from 4 submitters: Likely pathogenic (2); Uncertain significance (2). Last evaluated 2026-02-17.

Conditions:
Adult hypophosphatasia. Identifiers: Orphanet 247676, Orphanet 436, MedGen C0268413, MONDO:1010154, OMIM 146300, MONDO:0007798.
Childhood hypophosphatasia. Identifiers: Orphanet 247667, Orphanet 436, MedGen C0220743, MONDO:1010168, OMIM 241510, MONDO:0009428.
Infantile hypophosphatasia. Identifiers: Orphanet 247651, Orphanet 436, MedGen C0268412, MONDO:1010169, OMIM 241500, MONDO:0009427.
Hypophosphatasia. Also called: Phosphoethanol-aminuria. Identifiers: Orphanet 436, MedGen C0020630, MeSH D007014, MONDO:0018570.

Allele frequency attached by ClinVar (database versions not stated): gnomAD exomes below 0.00001 and 0.00001; gnomAD 0.00001; TOPMed 0.00001.
gnomAD v4.1: 14 of 1,613,634 alleles (0.00087%); highest among the groups gnomAD compares: Non-Finnish European, 0.0012%; no homozygotes.

Submissions (4):

Women's Health and Genetics/Laboratory Corporation of America, LabCorp
Classification: Likely pathogenic for Hypophosphatasia. Last evaluated: 2026-02-17. Review status: criteria provided, single submitter. Criteria: LabCorp Variant Classification Summary - May 2015. Collection method: clinical testing. Allele origin: germline.
Comment: Variant summary: ALPL c.431G>A (p.Gly144Glu) results in a non-conservative amino acid change in the encoded protein sequence. Algorithms developed to predict the effect of missense changes on protein structure and function all suggest that this variant is likely to be disruptive. The variant allele was found at a frequency of 4e-06 in 250376 control chromosomes. c.431G>A has been observed in individual(s) affected with Hypophosphatasia, Autosomal Dominant (Desborough_2021, Mornet_2021, Rush_2025, internal data). These data indicate that the variant may be associated with disease. At least one publication reports experimental evidence evaluating an impact on protein function (Del Angel_2020). The most pronounced variant effect results in >80% of normal activity. The following publications have been ascertained in the context of this evaluation (PMID: 32160374, 33301960, 32973344, 39983296). ClinVar contains an entry for this variant (Variation ID: 850181). Based on the evidence outlined above, the variant was classified as likely pathogenic.

Labcorp Genetics (formerly Invitae), Labcorp
Classification: Likely pathogenic. Last evaluated: 2025-10-27. Review status: criteria provided, single submitter. Criteria: Invitae Variant Classification Sherloc (09022015). Collection method: clinical testing. Allele origin: germline.
Comment: This sequence change replaces glycine, which is neutral and non-polar, with glutamic acid, which is acidic and polar, at codon 144 of the ALPL protein (p.Gly144Glu). This variant is present in population databases (no rsID available, gnomAD 0.0009%). This missense change has been observed in individual(s) with hypophosphatasia (PMID: 32973344, 39983296; internal data). ClinVar contains an entry for this variant (Variation ID: 850181). Invitae Evidence Modeling of protein sequence and biophysical properties (such as structural, functional, and spatial information, amino acid conservation, physicochemical variation, residue mobility, and thermodynamic stability) indicates that this missense variant is expected to disrupt ALPL protein function with a positive predictive value of 95%. Experimental studies have shown that this missense change does not substantially affect ALPL function (PMID: 32160374). In summary, the currently available evidence indicates that the variant is pathogenic, but additional data are needed to prove that conclusively. Therefore, this variant has been classified as Likely Pathogenic.

Genomenon, Inc
Classification: Uncertain significance for Hypophosphatasia. Last evaluated: 2025-08-29. Review status: criteria provided, single submitter. Criteria: Genomenon Sequence Variant Interpretation Standards. Collection method: curation. Allele origin: germline. Affected: yes.
Comment: ALPL c.431G>A is a missense variant that changes the amino acid at residue 144 from Glycine to Glutamic acid. This variant has been observed in at least one proband affected with hypophosphatasia (PMID:32973344). It is absent or not present at a significant frequency in gnomAD. In silico models agree that this variant is possibly or probably damaging. In conclusion, we classify ALPL p.Gly144Glu (c.431G>A) as a variant of unknown significance.

Fulgent Genetics
Classification: Uncertain significance for Adult hypophosphatasia; Infantile hypophosphatasia; Childhood hypophosphatasia. Last evaluated: 2022-02-02. Review status: criteria provided, single submitter. Criteria: ACMG Guidelines, 2015. Collection method: clinical testing. Allele origin: unknown.

Literature cited by the submitters: PubMed 32160374 (cited by Women's Health and Genetics/Laboratory Corporation of America, LabCorp and Labcorp Genetics (formerly Invitae), Labcorp); PubMed 32973344 (cited by 3 submitters); PubMed 33301960 (cited by Women's Health and Genetics/Laboratory Corporation of America, LabCorp); PubMed 39983296 (cited by Women's Health and Genetics/Laboratory Corporation of America, LabCorp and Labcorp Genetics (formerly Invitae), Labcorp).